The following is an entry in ClinVar:

NM_001365951.3(KIF1B):c.2590T>A (p.Ser864Thr)

Gene: KIF1B (kinesin family member 1B; plus strand). Cytogenetic location: 1p36.22.
Variant type: single nucleotide variant.
Coding change: c.2590T>A on transcript NM_001365951.3 (MANE Select); coding-DNA position 2590, T replaced by A.
Protein change: p.Ser864Thr; replaces serine 864 with threonine.
Molecular consequence: missense variant.
Genome position (GRCh38, 1-based): chr1:10,324,810, T>A. VCF-style: chr1-10324810-T-A. GRCh37 (hg19) VCF-style: chr1-10384868-T-A.
Other names: c.2590T>A, p.Ser864Thr (NM_001365952.1); c.2452T>A, p.Ser818Thr (NM_015074.3); short protein forms S864T, S818T.
Identifiers: ClinVar variation 1791512 (VCV001791512.8), dbSNP rs2521629798, ClinGen allele CA338335607.

ClinVar aggregate classification (germline): Uncertain significance. Review status: criteria provided, multiple submitters, no conflicts (2 of 4 stars). 2 submissions from 2 submitters: Uncertain significance (2). Last evaluated 2024-11-04.

Conditions:
Charcot-Marie-Tooth disease type 2. Also called: Charcot-Marie-Tooth type 2. Identifiers: Orphanet 64746, MedGen C0270914, MONDO:0018993.

Submissions (2):

Ambry Genetics
Classification: Uncertain significance. Last evaluated: 2024-11-04. Review status: criteria provided, single submitter. Criteria: Ambry Variant Classification Scheme 2023. Collection method: clinical testing. Allele origin: germline.
Comment: The p.S818T variant (also known as c.2452T>A), located in coding exon 23 of the KIF1B gene, results from a T to A substitution at nucleotide position 2452. The serine at codon 818 is replaced by threonine, an amino acid with similar properties. This amino acid position is conserved. In addition, the in silico prediction for this alteration is inconclusive. The evidence for this gene-disease relationship is limited; therefore, the clinical significance of this alteration is unclear.

Labcorp Genetics (formerly Invitae), Labcorp
Classification: Uncertain significance for Charcot-Marie-Tooth disease type 2. Last evaluated: 2024-05-22. Review status: criteria provided, single submitter. Criteria: Invitae Variant Classification Sherloc (09022015). Collection method: clinical testing. Allele origin: germline.
Comment: This sequence change replaces serine, which is neutral and polar, with threonine, which is neutral and polar, at codon 818 of the KIF1B protein (p.Ser818Thr). This variant is not present in population databases (gnomAD no frequency). This variant has not been reported in the literature in individuals affected with KIF1B-related conditions. ClinVar contains an entry for this variant (Variation ID: 1791512). Advanced modeling of protein sequence and biophysical properties (such as structural, functional, and spatial information, amino acid conservation, physicochemical variation, residue mobility, and thermodynamic stability) performed at Invitae indicates that this missense variant is not expected to disrupt KIF1B protein function with a negative predictive value of 80%. In summary, the available evidence is currently insufficient to determine the role of this variant in disease. Therefore, it has been classified as a Variant of Uncertain Significance.